The following is an entry in ClinVar:

ClinVar aggregate classification (germline): Uncertain significance (1 of 4 stars; one submission).

Allele frequency attached by ClinVar (database versions not stated): gnomAD 0.00001; gnomAD exomes 0.00002; ExAC 0.00007; 1000 Genomes Project 30x 0.00016; 1000 Genomes Project 0.00020.
gnomAD v4.1: 11 of 1,609,134 alleles (0.00068%); highest among the groups gnomAD compares: South Asian, 0.012%; no homozygotes.

Submission:

Labcorp Genetics (formerly Invitae), Labcorp
Classification: Uncertain significance. Last evaluated: 2024-09-28. Review status: criteria provided, single submitter. Criteria: Invitae Variant Classification Sherloc (09022015). Collection method: clinical testing. Allele origin: germline.
Comment: This sequence change replaces isoleucine, which is neutral and non-polar, with leucine, which is neutral and non-polar, at codon 1349 of the TOP2B protein (p.Ile1349Leu). This variant is present in population databases (rs561264666, gnomAD 0.02%). This variant has not been reported in the literature in individuals affected with TOP2B-related conditions. ClinVar contains an entry for this variant (Variation ID: 1485951). An algorithm developed to predict the effect of missense changes on protein structure and function (PolyPhen-2) suggests that this variant is likely to be tolerated. In summary, the available evidence is currently insufficient to determine the role of this variant in disease. Therefore, it has been classified as a Variant of Uncertain Significance.

NM_001330700.2(TOP2B):c.4060A>C (p.Ile1354Leu)

Gene: TOP2B (DNA topoisomerase II beta; minus strand). Cytogenetic location: 3p24.2.
Variant type: single nucleotide variant.
Coding change: c.4060A>C on transcript NM_001330700.2 (MANE Select); coding-DNA position 4060, A replaced by C.
Protein change: p.Ile1354Leu; replaces isoleucine 1354 with leucine.
Molecular consequence: missense variant.
Genome position (GRCh38, 1-based): chr3:25,609,216, T>G on the plus strand (A>C on the coding strand, the complement: TOP2B is on the minus strand). VCF-style: chr3-25609216-T-G. GRCh37 (hg19) VCF-style: chr3-25650707-T-G.
Other names: c.4045A>C, p.Ile1349Leu (NM_001068.3); short protein forms I1349L, I1354L.
Identifiers: ClinVar variation 1485951 (VCV001485951.6), dbSNP rs561264666, ClinGen allele CA2288170.